The following is an entry in ClinVar:

NM_000548.5(TSC2):c.1214A>T (p.Glu405Val)

Gene: TSC2 (TSC complex subunit 2; plus strand). Cytogenetic location: 16p13.3.
Variant type: single nucleotide variant.
Coding change: c.1214A>T on transcript NM_000548.5 (MANE Select); coding-DNA position 1214, A replaced by T.
Protein change: p.Glu405Val; replaces glutamic acid 405 with valine.
Molecular consequence: missense variant.
Genome position (GRCh38, 1-based): chr16:2,061,965, A>T. VCF-style: chr16-2061965-A-T. GRCh37 (hg19) VCF-style: chr16-2111966-A-T.
Other names: c.1214A>T, p.Glu405Val (NM_001077183.3, NM_001114382.3, NM_001363528.2 and 3 more transcripts); c.1103A>T, p.Glu368Val (NM_001318827.2); c.1067A>T, p.Glu356Val (NM_001318829.2); c.614A>T, p.Glu205Val (NM_001318831.2); c.1247A>T, p.Glu416Val (NM_001318832.2); short protein forms E405V, E368V, E356V, E205V, E416V.
Identifiers: ClinVar variation 373277 (VCV000373277.1), dbSNP rs1057518321, ClinGen allele CA16042932.

ClinVar aggregate classification (germline): Uncertain significance (1 of 4 stars; one submission).

Submission:

GeneDx
Classification: Uncertain significance. Last evaluated: 2016-11-15. Review status: criteria provided, single submitter. Criteria: GeneDx Variant Classification (06012015). Collection method: clinical testing. Allele origin: germline. Affected: yes.
Comment: A variant of uncertain significance has been identified in the TSC2 gene. The c.1214 A>T variant has not been published as a pathogenic variant, nor has it been reported as a benign variant to our knowledge. The c.1214 A>T variant was not observed in approximately 6,500 individuals of European and African American ancestry in the NHLBI Exome Sequencing Project, indicating it is not a common benign variant in these populations. Several in-silico splice prediction models predict that c.1214 A>T creates a cryptic splice donor site for exon 12, which may lead to abnormal gene splicing. If c.1214 A>T does not alter splicing, it will result in the E405V missense change. The E405V variant is a non-conservative amino acid substitution, which is likely to impact secondary protein structure as these residues differ in polarity, charge, size, and/or other properties. This substitution occurs at an amino acid position where amino acids with similar properties to Glutamic acid are tolerated across species. Missense variants in nearby residues (Y407D, L410R) have been reported in the Human Gene Mutation Database in association with tuberous sclerosis (Stenson et al., 2014). In silico analysis predicts this variant is probably damaging to the protein structure/function. Therefore, based on the currently available information, it is unclear whether this variant is a pathogenic variant or a rare benign variant.